The following is an entry in ClinVar:

ClinVar aggregate classification (germline): Uncertain significance (1 of 4 stars; one submission).

Conditions:
RYR1-related disorder. Also called: RYR1-related disorders; RYR1-related condition. Identifiers: MedGen CN239331.
Malignant hyperthermia, susceptibility to, 1 (MHS1). Also called: RYR1-Related Malignant Hyperthermia Susceptibility; Malignant hyperthermia suceptibility 1; Anesthesia related hyperthermia; Malignant hyperpyrexia; Fulminating hyperpyrexia; Pharmacogenic myopathy. Identifiers: Orphanet 423, MedGen C2930980, MONDO:0007783, OMIM 145600.
Centronuclear myopathy (CNM). Also called: Myotubular myopathy; Centronuclear myopathy, congenital. Identifiers: Orphanet 595, MedGen C0175709, MONDO:0018947. Inheritance: All.
Central core myopathy (CMYO1A). Also called: Central core disease; Myopathy, central fibrillar; CONGENITAL MYOPATHY 1A, AUTOSOMAL DOMINANT, WITH SUSCEPTIBILITY TO MALIGNANT HYPERTHERMIA. Identifiers: Orphanet 597, MedGen C5830701, MONDO:0007294, OMIM 117000.
Congenital multicore myopathy with external ophthalmoplegia (CMYO1B). Also called: MULTIMINICORE DISEASE WITH EXTERNAL OPHTHALMOPLEGIA; MULTICORE MYOPATHY; Minicore myopathy with external ophthalmoplegia; Congenital myopathy 1B, autosomal recessive; Minicore myopathy. Identifiers: Orphanet 598, Orphanet 98905, MedGen C1850674, MONDO:0009712, OMIM 255320, HP:0003789.
Congenital myopathy with fiber type disproportion. Also called: Congenital fiber-type disproportion myopathy; Congenital fiber-type disproportion. Identifiers: Orphanet 2020, MedGen C0546264, MONDO:0009711. Inheritance: all.

gnomAD v4.1: 1 of 1,614,196 alleles (0.000062%); highest among the groups gnomAD compares: Admixed American, 0.0017%; no homozygotes.

Submission:

Labcorp Genetics (formerly Invitae), Labcorp
Classification: Uncertain significance for RYR1-related disorder. Last evaluated: 2022-06-20. Review status: criteria provided, single submitter. Criteria: Invitae Variant Classification Sherloc (09022015). Collection method: clinical testing. Allele origin: germline.
Comment: In summary, the available evidence is currently insufficient to determine the role of this variant in disease. Therefore, it has been classified as a Variant of Uncertain Significance. Algorithms developed to predict the effect of missense changes on protein structure and function are either unavailable or do not agree on the potential impact of this missense change (SIFT: "Deleterious"; PolyPhen-2: "Not Available"; Align-GVGD: "Class C0"). This variant has not been reported in the literature in individuals affected with RYR1-related conditions. This variant is present in population databases (rs200473035, gnomAD 0.003%). This sequence change replaces arginine, which is basic and polar, with serine, which is neutral and polar, at codon 4723 of the RYR1 protein (p.Arg4723Ser).

NM_000540.3(RYR1):c.14167C>A (p.Arg4723Ser)

Gene: RYR1 (ryanodine receptor 1; plus strand). Cytogenetic location: 19q13.2.
Variant type: single nucleotide variant.
Coding change: c.14167C>A on transcript NM_000540.3 (MANE Select); coding-DNA position 14167, C replaced by A.
Protein change: p.Arg4723Ser; replaces arginine 4723 with serine.
Molecular consequence: missense variant.
Genome position (GRCh38, 1-based): chr19:38,575,956, C>A. VCF-style: chr19-38575956-C-A. GRCh37 (hg19) VCF-style: chr19-39066596-C-A.
Other names: c.14152C>A, p.Arg4718Ser (NM_001042723.2); c.14167C>A (NM_000540.2); short protein forms R4718S, R4723S.
Identifiers: ClinVar variation 1514704 (VCV001514704.9), dbSNP rs200473035, ClinGen allele CA060912.